The following is an entry in ClinVar:

ClinVar aggregate classification (germline): Uncertain significance (1 of 4 stars; one submission).

Submission:

Women's Health and Genetics/Laboratory Corporation of America, LabCorp
Classification: Uncertain significance. Last evaluated: 2023-10-30. Review status: criteria provided, single submitter. Criteria: LabCorp Variant Classification Summary - May 2015. Collection method: clinical testing. Allele origin: germline.
Comment: Variant summary: SETD5 c.316T>C (p.Cys106Arg) results in a non-conservative amino acid change in the encoded protein sequence. Five of five in-silico tools predict a damaging effect of the variant on protein function. The variant was absent in 249146 control chromosomes. The available data on variant occurrences in the general population are insufficient to allow any conclusion about variant significance. To our knowledge, no occurrence of c.316T>C in individuals affected with Mental Retardation, Autosomal Dominant 23 and no experimental evidence demonstrating its impact on protein function have been reported. No submitters have cited clinical-significance assessments for this variant to ClinVar after 2014. Based on the evidence outlined above, the variant was classified as uncertain significance.

NM_001080517.3(SETD5):c.316T>C (p.Cys106Arg)

Gene: SETD5 (SET domain containing 5; plus strand). Cytogenetic location: 3p25.3.
Variant type: single nucleotide variant.
Coding change: c.316T>C on transcript NM_001080517.3 (MANE Select); coding-DNA position 316, T replaced by C.
Protein change: p.Cys106Arg; replaces cysteine 106 with arginine.
Molecular consequence: missense variant. On other transcripts: 5 prime UTR variant (2).
Genome position (GRCh38, 1-based): chr3:9,434,472, T>C. VCF-style: chr3-9434472-T-C. GRCh37 (hg19) VCF-style: chr3-9476156-T-C.
Other names: c.-18T>C (NM_001292043.2); c.-59T>C (NM_001349451.2); short protein forms C106R.
Identifiers: ClinVar variation 2637545 (VCV002637545.1), dbSNP rs752571386, ClinGen allele CA351683116.
Genomic context (GRCh38, chr3:9,434,472, plus strand): 5'-GGAGAAACTGTACCTACCTGGTGTCCTTGTGGTCTTTCTCAGGATGGCTTCCTTCTCAAC[T>C]GTGACAAGTGCAGGTAAGATCCTGTTCCATCTAAATTTAAGTCTGGGTTGCTGGGATTAG-3'
Protein context (NP_001073986.1, residues 96-116): GLSQDGFLLN[Cys106Arg]DKCRGMSRGK